The following is an entry in ClinVar:

ClinVar aggregate classification (germline): Likely pathogenic (1 of 4 stars; one submission).

Conditions:
Hypotonia, ataxia, and delayed development syndrome (HADDS). Also called: EBF3 Neurodevelopmental Disorder. Identifiers: Orphanet 658843, MedGen C4310618, MONDO:0015021, OMIM 617330.

Submission:

Division Of Personalized Genomic Medicine, Columbia University Irving Medical Center
Classification: Likely pathogenic for Hypotonia, ataxia, and delayed development syndrome. Last evaluated: 2020-04-09. Review status: criteria provided, single submitter. Criteria: ACMG Guidelines, 2015. Collection method: clinical testing. Allele origin: germline. Inheritance: Autosomal dominant inheritance. Affected: yes. Observed: 1 heterozygote.
Comment: The c.1427_1428delCA (p.Thr476SerfsTer4) variant in the EBF3 gene is a heterozygous frameshift variant, resulting in a premature stop codon downstream. This variant localizes to coding exon 14 of the gene (16 coding exons in total; NM_001005463.3). This variant is absent in the Genome Aggregation Database (gnomAD), indicating it is not a common benign variant in the populations represented in this database. To the best of our knowledge, this specific variant has not been described in the literature to be associated with disease. However, loss-of-function variants in EBF3 have been established to be disease causing (PMID: 29162653). A nearby variant (p.Thr464Profs*10) has been reported in an affected individual (PMID: 29162653). No loss-of-function variants downstream to this one have been reported in affected individuals.

Literature cited by the submitters: PubMed 29162653.

NM_001375380.1(EBF3):c.1454_1455del (p.Thr485fs)

Gene: EBF3 (EBF transcription factor 3; minus strand). Cytogenetic location: 10q26.3.
Variant type: Microsatellite.
Coding change: c.1454_1455del on transcript NM_001375380.1 (MANE Select); coding-DNA positions 1454 to 1455, 2 bases deleted (CA; older notation c.1454_1455delCA).
Protein change: p.Thr485fs; shifts the reading frame from threonine 485.
Molecular consequence: frameshift variant. On other transcripts: intron variant (1).
Genome position (GRCh38, 1-based): chr10:129,840,950-129,840,951, TG deleted on the plus strand (CA on the coding strand, the reverse complement: EBF3 is on the minus strand); deleting any 2 consecutive bases within chr10:129,840,950-129,840,954 gives the same sequence; the c. name uses the placement nearest the transcript's 3' end. VCF-style (leftmost placement, unchanged base first): chr10-129840949-CTG-C. GRCh37 (hg19) VCF-style: chr10-131639213-CTG-C.
Other names: c.1427_1428delCA (NM_001005463.3); c.1427_1428del, p.Thr476fs (NM_001005463.3, NM_001375390.1); c.1454_1455del, p.Thr485fs (NM_001375379.1, NM_001375389.1, NM_001375391.1); c.1346-509_1346-508del (NM_001375392.1); short protein forms T476fs, T485fs.
Identifiers: ClinVar variation 2674611 (VCV002674611.2), dbSNP rs2493746999, ClinGen allele CA2564628864.